The following is an entry in ClinVar:

ClinVar aggregate classification (germline): Likely pathogenic (1 of 4 stars; one submission).

Conditions:
Juvenile polyposis syndrome (JPS). Identifiers: Orphanet 2929, MedGen C0345893, MONDO:0017380, OMIM 174900.

Submission:

Myriad Genetics, Inc.
Classification: Likely pathogenic for Juvenile polyposis syndrome. Last evaluated: 2026-09-01. Review status: criteria provided, single submitter. Criteria: Myriad Autosomal Dominant, Autosomal Recessive and X-Linked Classification Criteria (2023). Collection method: clinical testing. Allele origin: unknown.
Comment: This variant is considered likely pathogenic. This variant occurs within a consensus splice junction and is predicted to result in abnormal mRNA splicing of either an out-of-frame exon or an in-frame exon necessary for protein stability and/or normal function.

NM_004329.3(BMPR1A):c.530+1G>A

Gene: BMPR1A (bone morphogenetic protein receptor type 1A; plus strand). Cytogenetic location: 10q23.2.
Variant type: single nucleotide variant.
Coding change: c.530+1G>A on transcript NM_004329.3 (MANE Select); the canonical splice donor site of the intron after coding-DNA position 530, G replaced by A.
Molecular consequence: splice donor variant. On other transcripts: intron variant (1).
Genome position (GRCh38, 1-based): chr10:86,900,127, G>A. VCF-style: chr10-86900127-G-A. GRCh37 (hg19) VCF-style: chr10-88659884-G-A.
Other names: c.530+1G>A (NM_001406562.1, NM_001406568.1, NM_001406567.1 and 22 more transcripts); c.446+1G>A (NM_001406584.1, NM_001406588.1, NM_001406587.1 and 2 more transcripts); c.333+7898G>A (NM_001406589.1).
Identifiers: ClinVar variation 5042315 (VCV005042315.1).